The following is an entry in ClinVar:

ClinVar aggregate classification (germline): Likely benign. Review status: criteria provided, multiple submitters, no conflicts (2 of 4 stars). 12 submissions from 12 submitters: Likely benign (7). 5 of the submissions do not count toward it. Last evaluated 2026-02-03.

Conditions:
Cardiovascular phenotype. Identifiers: MedGen CN230736.
ALPK3-related disorder. Also called: ALPK3-related condition.

Allele frequency attached by ClinVar (database versions not stated): 1000 Genomes Project 30x 0.00016; 1000 Genomes Project 0.00020; ESP Exome Variant Server 0.00031; TOPMed 0.00032; gnomAD exomes 0.00033; gnomAD 0.00035; ExAC 0.00036.
gnomAD v4.1: 718 of 1,614,044 alleles (0.044%); highest among the groups gnomAD compares: Non-Finnish European, 0.056%; 1 homozygote.

Submissions (12):

Labcorp Genetics (formerly Invitae), Labcorp
Classification: Likely benign. Last evaluated: 2026-02-03. Review status: criteria provided, single submitter. Criteria: Invitae Variant Classification Sherloc (09022015). Collection method: clinical testing. Allele origin: germline.

Mayo Clinic Laboratories, Mayo Clinic
Classification: Likely benign. Last evaluated: 2025-07-20. Review status: criteria provided, single submitter. Criteria: ACMG Guidelines, 2015. Collection method: clinical testing. Allele origin: germline. Observed: 1 variant allele.
Comment: BP4, BP7

Molecular Diagnostic Laboratory for Inherited Cardiovascular Disease, Montreal Heart Institute
Classification: Likely benign. Last evaluated: 2025-04-09. Review status: criteria provided, single submitter. Criteria: ACMG Guidelines, 2015. Collection method: clinical testing. Allele origin: germline. Affected: no.

Blueprint Genetics
Classification: Likely benign. Last evaluated: 2024-11-13. Review status: criteria provided, single submitter. Criteria: ACMG Guidelines, 2015. Collection method: clinical testing. Allele origin: germline.

Women's Health and Genetics/Laboratory Corporation of America, LabCorp
Classification: Likely benign. Last evaluated: 2024-03-17. Review status: criteria provided, single submitter. Criteria: LabCorp Variant Classification Summary - May 2015. Collection method: clinical testing. Allele origin: germline.

GeneDx
Classification: Likely benign. Last evaluated: 2020-11-30. Review status: criteria provided, single submitter. Criteria: GeneDx Variant Classification Process June 2021. Collection method: clinical testing. Allele origin: germline. Affected: yes.

Ambry Genetics
Classification: Likely benign for Cardiovascular phenotype. Last evaluated: 2019-02-12. Review status: criteria provided, single submitter. Criteria: Ambry Variant Classification Scheme 2023. Collection method: clinical testing. Allele origin: germline.

PreventionGenetics, part of Exact Sciences
Classification: Likely benign for ALPK3-related condition. Last evaluated: 2020-08-24. Review status: no assertion criteria provided. Collection method: clinical testing. Allele origin: germline. Not counted in ClinVar's aggregate classification.
Comment: This variant is classified as likely benign based on ACMG/AMP sequence variant interpretation guidelines (Richards et al. 2015 PMID: 25741868, with internal and published modifications).

Clinical Genetics DNA and cytogenetics Diagnostics Lab, Erasmus MC, Erasmus Medical Center
Classification: Likely benign. Review status: no assertion criteria provided. Collection method: clinical testing. Allele origin: germline. Affected: yes. Study: VKGL Data-share Consensus. Not counted in ClinVar's aggregate classification.

Clinical Genetics, Academic Medical Center
Classification: Benign. Review status: no assertion criteria provided. Collection method: clinical testing. Allele origin: germline. Affected: yes. Study: VKGL Data-share Consensus. Not counted in ClinVar's aggregate classification.

Diagnostic Laboratory, Department of Genetics, University Medical Center Groningen
Classification: Likely benign. Review status: no assertion criteria provided. Collection method: clinical testing. Allele origin: germline. Affected: yes. Study: VKGL Data-share Consensus. Not counted in ClinVar's aggregate classification.

Joint Genome Diagnostic Labs from Nijmegen and Maastricht, Radboudumc and MUMC+
Classification: Likely benign. Review status: no assertion criteria provided. Collection method: clinical testing. Allele origin: germline. Affected: yes. Study: VKGL Data-share Consensus. Not counted in ClinVar's aggregate classification.

NM_020778.5(ALPK3):c.4056C>T (p.His1352=)

Gene: ALPK3 (alpha kinase 3; plus strand). Cytogenetic location: 15q25.3.
Variant type: single nucleotide variant.
Coding change: c.4056C>T on transcript NM_020778.5 (MANE Select); coding-DNA position 4056, C replaced by T.
Protein change: p.His1352=; no amino-acid change (histidine 1352 retained).
Molecular consequence: synonymous variant.
Genome position (GRCh38, 1-based): chr15:84,859,866, C>T. VCF-style: chr15-84859866-C-T. GRCh37 (hg19) VCF-style: chr15-85403097-C-T.
Other names: p.His1554=.
Identifiers: ClinVar variation 506399 (VCV000506399.25), dbSNP rs144613098, ClinGen allele CA7709817.